The following is an entry in ClinVar:

NM_003118.4(SPARC):c.841A>C (p.Ile281Leu)

Genes: SPARC (secreted protein acidic and cysteine rich; minus strand), LOC126807556 (MED14-independent group 3 enhancer GRCh37_chr5:151042798-151043997; plus strand). Cytogenetic location: 5q33.1.
Variant type: single nucleotide variant.
Coding change: c.841A>C on transcript NM_003118.4 (MANE Select); coding-DNA position 841, A replaced by C.
Protein change: p.Ile281Leu; replaces isoleucine 281 with leucine.
Molecular consequence: missense variant.
Genome position (GRCh38, 1-based): chr5:151,664,129, T>G on the plus strand (A>C on the coding strand, the complement: SPARC is on the minus strand). VCF-style: chr5-151664129-T-G. GRCh37 (hg19) VCF-style: chr5-151043690-T-G.
Other names: c.838A>C, p.Ile280Leu (NM_001309443.2); c.841A>C, p.Ile281Leu (NM_001309444.2); short protein forms I280L, I281L.
Identifiers: ClinVar variation 3612718 (VCV003612718.2).

ClinVar aggregate classification (germline): Uncertain significance (1 of 4 stars; one submission).

gnomAD v4.1: 12 of 1,614,196 alleles (0.00074%); highest among the groups gnomAD compares: Non-Finnish European, 0.001%; no homozygotes.

Submission:

Labcorp Genetics (formerly Invitae), Labcorp
Classification: Uncertain significance. Last evaluated: 2024-03-15. Review status: criteria provided, single submitter. Criteria: Invitae Variant Classification Sherloc (09022015). Collection method: clinical testing. Allele origin: germline.
Comment: This sequence change replaces isoleucine, which is neutral and non-polar, with leucine, which is neutral and non-polar, at codon 281 of the SPARC protein (p.Ile281Leu). This variant is present in population databases (rs754806128, gnomAD 0.0009%). This variant has not been reported in the literature in individuals affected with SPARC-related conditions. Advanced modeling of protein sequence and biophysical properties (such as structural, functional, and spatial information, amino acid conservation, physicochemical variation, residue mobility, and thermodynamic stability) performed at Invitae indicates that this missense variant is not expected to disrupt SPARC protein function with a negative predictive value of 80%. In summary, the available evidence is currently insufficient to determine the role of this variant in disease. Therefore, it has been classified as a Variant of Uncertain Significance.